The following is an entry in ClinVar:

NM_002968.3(SALL1):c.3601G>A (p.Gly1201Ser)

Gene: SALL1 (spalt like transcription factor 1; minus strand). Cytogenetic location: 16q12.1.
Variant type: single nucleotide variant.
Coding change: c.3601G>A on transcript NM_002968.3 (MANE Select); coding-DNA position 3601, G replaced by A.
Protein change: p.Gly1201Ser; replaces glycine 1201 with serine.
Molecular consequence: missense variant.
Genome position (GRCh38, 1-based): chr16:51,137,486, C>T on the plus strand (G>A on the coding strand, the complement: SALL1 is on the minus strand). VCF-style: chr16-51137486-C-T. GRCh37 (hg19) VCF-style: chr16-51171397-C-T.
Other names: c.3310G>A, p.Gly1104Ser (NM_001127892.2); short protein forms G1201S, G1104S.
Identifiers: ClinVar variation 450668 (VCV000450668.2), dbSNP rs1555474728, ClinGen allele CA395878355.

ClinVar aggregate classification (germline): Uncertain significance (1 of 4 stars; one submission).

Submission:

GeneDx
Classification: Uncertain significance. Last evaluated: 2018-08-08. Review status: criteria provided, single submitter. Criteria: GeneDx Variant Classification (06012015). Collection method: clinical testing. Allele origin: germline. Affected: yes.
Comment: The G1201S variant in the SALL1 gene has not been reported previously as a pathogenic variant, nor as a benign variant, to our knowledge. This variant is not observed in large population cohorts (Lek et al., 2016; 1000 Genomes Consortium et al., 2015; Exome Variant Server). The G1201S variant is a non-conservative amino acid substitution, which is likely to impact secondary protein structure as these residues differ in polarity, charge, size and/or other properties. This substitution occurs at a position that is conserved across species. In silico analysis is inconsistent in its predictions as to whether or not the variant is damaging to the protein structure/function. We interpret G1201S as a variant of uncertain significance.